The following is an entry in ClinVar:

ClinVar aggregate classification (germline): Pathogenic/Likely pathogenic. Review status: criteria provided, multiple submitters, no conflicts (2 of 4 stars). 2 submissions from 2 submitters: Pathogenic (1); Likely pathogenic (1). Last evaluated 2024-07-23.

Conditions:
Actin accumulation myopathy (CMYO2A). Also called: Myopathy, actin, congenital, with cores; Nemaline myopathy 3, with intranuclear rods; CONGENITAL MYOPATHY 2A, TYPICAL, AUTOSOMAL DOMINANT; Nemaline myopathy type 3; Myopathy, actin, congenital, with excess of thin myofilaments. Identifiers: Orphanet 98904, MedGen C3711389, MONDO:0008070, OMIM 161800.

Submissions (2):

GeneDx
Classification: Pathogenic. Last evaluated: 2024-07-23. Review status: criteria provided, single submitter. Criteria: GeneDx Variant Classification Process June 2021. Collection method: clinical testing. Allele origin: germline. Affected: yes.
Comment: Not observed at significant frequency in large population cohorts (gnomAD); In silico analysis supports that this missense variant has a deleterious effect on protein structure/function; Missense variants in this gene are often considered pathogenic (HGMD); In silico analysis is inconclusive as to whether the variant alters gene splicing. In the absence of RNA/functional studies, the actual effect of this sequence change is unknown.; This variant is associated with the following publications: (PMID: 31127727)

Labcorp Genetics (formerly Invitae), Labcorp
Classification: Likely pathogenic for Actin accumulation myopathy. Last evaluated: 2022-08-22. Review status: criteria provided, single submitter. Criteria: Invitae Variant Classification Sherloc (09022015). Collection method: clinical testing. Allele origin: germline.
Comment: This missense change has been observed in individuals with clinical features of ACTA1-related conditions (PMID: 31127727). This sequence change replaces proline, which is neutral and non-polar, with leucine, which is neutral and non-polar, at codon 335 of the ACTA1 protein (p.Pro335Leu). This variant is not present in population databases (gnomAD no frequency). ClinVar contains an entry for this variant (Variation ID: 575911). Advanced modeling of protein sequence and biophysical properties (such as structural, functional, and spatial information, amino acid conservation, physicochemical variation, residue mobility, and thermodynamic stability) performed at Invitae indicates that this missense variant is expected to disrupt ACTA1 protein function. In summary, the currently available evidence indicates that the variant is pathogenic, but additional data are needed to prove that conclusively. Therefore, this variant has been classified as Likely Pathogenic.

Literature cited by the submitters: PubMed 31127727 (cited by Labcorp Genetics (formerly Invitae), Labcorp).

NM_001100.4(ACTA1):c.1004C>T (p.Pro335Leu)

Gene: ACTA1 (actin alpha 1, skeletal muscle; minus strand). Cytogenetic location: 1q42.13.
Variant type: single nucleotide variant.
Coding change: c.1004C>T on transcript NM_001100.4 (MANE Select); coding-DNA position 1004, C replaced by T.
Protein change: p.Pro335Leu; replaces proline 335 with leucine.
Molecular consequence: missense variant.
Genome position (GRCh38, 1-based): chr1:229,431,629, G>A on the plus strand (C>T on the coding strand, the complement: ACTA1 is on the minus strand). VCF-style: chr1-229431629-G-A. GRCh37 (hg19) VCF-style: chr1-229567376-G-A.
Other names: short protein forms P335L.
Identifiers: ClinVar variation 575911 (VCV000575911.8), dbSNP rs1057518493, ClinGen allele CA345144942.